The following is an entry in ClinVar:

NM_005751.5(AKAP9):c.3979T>G (p.Ser1327Ala)

Gene: AKAP9 (A-kinase anchoring protein 9; plus strand). Cytogenetic location: 7q21.2.
Variant type: single nucleotide variant.
Coding change: c.3979T>G on transcript NM_005751.5 (MANE Select); coding-DNA position 3979, T replaced by G.
Protein change: p.Ser1327Ala; replaces serine 1327 with alanine.
Molecular consequence: missense variant.
Genome position (GRCh38, 1-based): chr7:92,022,840, T>G. VCF-style: chr7-92022840-T-G. GRCh37 (hg19) VCF-style: chr7-91652154-T-G.
Other names: c.3979T>G, p.Ser1327Ala (NM_147185.3); short protein forms S1327A.
Identifiers: ClinVar variation 4265125 (VCV004265125.1).
Genomic context (GRCh38, chr7:92,022,840, plus strand): 5'-AAATGTGCATTTTTTGTCTCTTTATATAACATAGATGTCAATCATAAAAGCAAGTTATCT[T>G]CTCTGCAAGATCTTGAAAAAACTAAACTTGAAGAACAAGTTCAAGAATTAGAAAGCCTCA-3'
Protein context (NP_005742.4, residues 1317-1337): IDVNHKSKLS[Ser1327Ala]LQDLEKTKLE

ClinVar aggregate classification (germline): Uncertain significance (1 of 4 stars; one submission).

Conditions:
Cardiovascular phenotype. Identifiers: MedGen CN230736.

Submission:

Ambry Genetics
Classification: Uncertain significance for Cardiovascular phenotype. Last evaluated: 2025-07-15. Review status: criteria provided, single submitter. Criteria: Ambry Variant Classification Scheme 2023. Collection method: clinical testing. Allele origin: germline.
Comment: The p.S1327A variant (also known as c.3979T>G), located in coding exon 14 of the AKAP9 gene, results from a T to G substitution at nucleotide position 3979. The serine at codon 1327 is replaced by alanine, an amino acid with similar properties. This amino acid position is conserved. In addition, this alteration is predicted to be tolerated by in silico analysis. Based on the available evidence, the clinical significance of this variant remains unclear.